The following is an entry in ClinVar:

ClinVar aggregate classification (germline): Uncertain significance (1 of 4 stars; one submission).

Conditions:
Hereditary cancer-predisposing syndrome. Also called: Hereditary Cancer Syndrome; Hereditary neoplastic syndrome; Neoplastic Syndromes, Hereditary; Tumor predisposition. Identifiers: Orphanet 140162, MedGen C0027672, MeSH D009386, MONDO:0015356.

Submission:

Ambry Genetics
Classification: Uncertain significance for Hereditary cancer-predisposing syndrome. Last evaluated: 2022-03-29. Review status: criteria provided, single submitter. Criteria: Ambry Variant Classification Scheme 2023. Collection method: clinical testing. Allele origin: germline.
Comment: The p.F47Y variant (also known as c.140T>A), located in coding exon 1 of the MEN1 gene, results from a T to A substitution at nucleotide position 140. The phenylalanine at codon 47 is replaced by tyrosine, an amino acid with highly similar properties. This amino acid position is conserved. In addition, this alteration is predicted to be deleterious by in silico analysis. Since supporting evidence is limited at this time, the clinical significance of this alteration remains unclear.

NM_001370259.2(MEN1):c.140T>A (p.Phe47Tyr)

Gene: MEN1 (menin 1; minus strand). Cytogenetic location: 11q13.1.
Variant type: single nucleotide variant.
Coding change: c.140T>A on transcript NM_001370259.2 (MANE Select); coding-DNA position 140, T replaced by A.
Protein change: p.Phe47Tyr; replaces phenylalanine 47 with tyrosine.
Molecular consequence: missense variant.
Genome position (GRCh38, 1-based): chr11:64,809,970, A>T on the plus strand (T>A on the coding strand, the complement: MEN1 is on the minus strand). VCF-style: chr11-64809970-A-T. GRCh37 (hg19) VCF-style: chr11-64577442-A-T.
Other names: c.140T>A, p.Phe47Tyr (NM_000244.4, NM_001370251.2, NM_001370260.2 and 20 more transcripts); short protein forms F47Y.
Identifiers: ClinVar variation 1771999 (VCV001771999.2), dbSNP rs2136192635, ClinGen allele CA381187826.
Genomic context (GRCh38, chr11:64,809,970, plus strand): 5'-GGGCTGGGCTGGAAGGTGAGCTCGGGAACGTTGGTAGGGATGACGCGGTTGACAGCCAGA[A>T]AATGCTCCACGAAGCCCAGCACCAAGGAAAGGAGCACCAGGTCCGGCTCCTCTCGGCCCA-3'
Protein context (NP_001357188.2, residues 37-57): LSLVLGFVEH[Phe47Tyr]LAVNRVIPTN